The following is an entry in ClinVar:

ClinVar aggregate classification (germline): Uncertain significance. Review status: criteria provided, multiple submitters, no conflicts (2 of 4 stars). 2 submissions from 2 submitters: Uncertain significance (2). Last evaluated 2025-06-24.

Conditions:
Congenital sideroblastic anemia-B-cell immunodeficiency-periodic fever-developmental delay syndrome. Also called: Sideroblastic anemia with B-cell immunodeficiency, periodic fevers, and developmental delay. Identifiers: Orphanet 369861, MedGen C4015172, MONDO:0014487, OMIM 616084.
Inborn genetic diseases. Identifiers: MedGen C0950123, MeSH D030342.

gnomAD v4.1: 4 of 1,614,154 alleles (0.00025%); highest among the groups gnomAD compares: Admixed American, 0.0017%; no homozygotes.

Submissions (2):

Ambry Genetics
Classification: Uncertain significance for Inborn genetic diseases. Last evaluated: 2025-06-24. Review status: criteria provided, single submitter. Criteria: Ambry Variant Classification Scheme 2023. Collection method: clinical testing. Allele origin: germline.

Labcorp Genetics (formerly Invitae), Labcorp
Classification: Uncertain significance for Congenital sideroblastic anemia-B-cell immunodeficiency-periodic fever-developmental delay syndrome. Last evaluated: 2022-04-11. Review status: criteria provided, single submitter. Criteria: Invitae Variant Classification Sherloc (09022015). Collection method: clinical testing. Allele origin: germline.
Comment: In summary, the available evidence is currently insufficient to determine the role of this variant in disease. Therefore, it has been classified as a Variant of Uncertain Significance. Algorithms developed to predict the effect of missense changes on protein structure and function are either unavailable or do not agree on the potential impact of this missense change (SIFT: "Deleterious"; PolyPhen-2: "Benign"; Align-GVGD: "Class C0"). This variant has not been reported in the literature in individuals affected with TRNT1-related conditions. This variant is not present in population databases (gnomAD no frequency). This sequence change replaces glutamic acid, which is acidic and polar, with lysine, which is basic and polar, at codon 36 of the TRNT1 protein (p.Glu36Lys).

NM_182916.3(TRNT1):c.106G>A (p.Glu36Lys)

Gene: TRNT1 (tRNA nucleotidyl transferase 1; plus strand). Cytogenetic location: 3p26.2.
Variant type: single nucleotide variant.
Coding change: c.106G>A on transcript NM_182916.3 (MANE Select); coding-DNA position 106, G replaced by A.
Protein change: p.Glu36Lys; replaces glutamic acid 36 with lysine.
Molecular consequence: missense variant. On other transcripts: non-coding transcript variant (11).
Genome position (GRCh38, 1-based): chr3:3,129,146, G>A. VCF-style: chr3-3129146-G-A. GRCh37 (hg19) VCF-style: chr3-3170830-G-A.
Other names: c.106G>A, p.Glu36Lys (NM_001302946.2, NM_001367321.1, NM_001367322.1 and 1 more transcripts); c.106G>A (NM_182916.2); short protein forms E36K.
Identifiers: ClinVar variation 1352537 (VCV001352537.6), dbSNP rs1480255948, ClinGen allele CA351442306.
Genomic context (GRCh38, chr3:3,129,146, plus strand): 5'-AGGTGGAGTAGGCTGTGCCTTCCGAAGCAGTATCTATTCACAATGAAGTTGCAGTCTCCC[G>A]AATTCCAGTCACTTTTCACAGAAGGACTGAAGAGTCTGACAGGTGAGAGATTAGGATACC-3'
Protein context (NP_886552.3, residues 26-46): YLFTMKLQSP[Glu36Lys]FQSLFTEGLK